The following is an entry in ClinVar:

NM_000038.6(APC):c.5745G>A (p.Lys1915=)

Gene: APC (APC regulator of Wnt signaling pathway; plus strand). Cytogenetic location: 5q22.2.
Variant type: single nucleotide variant.
Coding change: c.5745G>A on transcript NM_000038.6 (MANE Select); coding-DNA position 5745, G replaced by A.
Protein change: p.Lys1915=; no amino-acid change (lysine 1915 retained).
Molecular consequence: synonymous variant. On other transcripts: non-coding transcript variant (2).
Genome position (GRCh38, 1-based): chr5:112,841,339, G>A. VCF-style: chr5-112841339-G-A. GRCh37 (hg19) VCF-style: chr5-112177036-G-A.
Other names: c.5745G>A, p.Lys1915= (NM_001127510.3, NM_001354895.2, NM_001407450.1); c.5691G>A, p.Lys1897= (NM_001127511.3); c.5799G>A, p.Lys1933= (NM_001354896.2, NM_001407447.1, NM_001407448.1 and 1 more transcripts); c.5775G>A, p.Lys1925= (NM_001354897.2); c.5670G>A, p.Lys1890= (NM_001354898.2); c.5661G>A, p.Lys1887= (NM_001354899.2); c.5622G>A, p.Lys1874= (NM_001354900.2); c.5568G>A, p.Lys1856= (NM_001354901.2, NM_001407453.1); and 11 more.
Identifiers: ClinVar variation 1749407 (VCV001749407.8), dbSNP rs201988789, ClinGen allele CA446209410.

ClinVar aggregate classification (germline): Benign/Likely benign. Review status: criteria provided, multiple submitters, no conflicts (2 of 4 stars). 3 submissions from 3 submitters: Benign (1); Likely benign (2). Last evaluated 2024-04-02.

Conditions:
Hereditary cancer-predisposing syndrome. Also called: Hereditary Cancer Syndrome; Hereditary neoplastic syndrome; Neoplastic Syndromes, Hereditary; Tumor predisposition. Identifiers: Orphanet 140162, MedGen C0027672, MeSH D009386, MONDO:0015356.
Familial adenomatous polyposis 1 (FAP1). Also called: FAMILIAL ADENOMATOUS POLYPOSIS 1, ATTENUATED; POLYPOSIS, ADENOMATOUS INTESTINAL. Identifiers: MedGen C2713442, MONDO:0021056, OMIM 175100. Disease mechanism: loss of function.

Allele frequency attached by ClinVar (database versions not stated): gnomAD exomes below 0.00001; TOPMed below 0.00001.
gnomAD v4.1: 1 of 1,613,390 alleles (0.000062%); highest among the groups gnomAD compares: South Asian, 0.0011%; no homozygotes.

Submissions (3):

Myriad Genetics, Inc.
Classification: Benign for Familial adenomatous polyposis 1. Last evaluated: 2024-04-02. Review status: criteria provided, single submitter. Criteria: Myriad Autosomal Dominant, Autosomal Recessive and X-Linked Classification Criteria (2023). Collection method: clinical testing. Allele origin: unknown.
Comment: This variant is considered benign. This variant is a silent/synonymous amino acid change and it is not expected to impact splicing.

Labcorp Genetics (formerly Invitae), Labcorp
Classification: Likely benign for Familial adenomatous polyposis 1. Last evaluated: 2022-10-13. Review status: criteria provided, single submitter. Criteria: Invitae Variant Classification Sherloc (09022015). Collection method: clinical testing. Allele origin: germline.

Ambry Genetics
Classification: Likely benign for Hereditary cancer-predisposing syndrome. Last evaluated: 2022-05-04. Review status: criteria provided, single submitter. Criteria: Ambry Variant Classification Scheme 2023. Collection method: clinical testing. Allele origin: germline.